The following is an entry in ClinVar:

NM_000081.4(LYST):c.11303C>T (p.Thr3768Ile)

Gene: LYST (lysosomal trafficking regulator; minus strand). Cytogenetic location: 1q42.3.
Variant type: single nucleotide variant.
Coding change: c.11303C>T on transcript NM_000081.4 (MANE Select); coding-DNA position 11303, C replaced by T.
Protein change: p.Thr3768Ile; replaces threonine 3768 with isoleucine.
Molecular consequence: missense variant.
Genome position (GRCh38, 1-based): chr1:235,663,043, G>A on the plus strand (C>T on the coding strand, the complement: LYST is on the minus strand). VCF-style: chr1-235663043-G-A. GRCh37 (hg19) VCF-style: chr1-235826343-G-A.
Other names: c.11303C>T, p.Thr3768Ile (NM_001301365.1); short protein forms T3768I.
Identifiers: ClinVar variation 1418793 (VCV001418793.5), dbSNP rs1339911015, ClinGen allele CA344984317.

ClinVar aggregate classification (germline): Uncertain significance (1 of 4 stars; one submission).

Conditions:
Chédiak-Higashi syndrome (CHS). Also called: Chediak-Higashi Syndrome. Identifiers: Orphanet 167, MedGen C0007965, MONDO:0008963, OMIM 214500.

Allele frequency attached by ClinVar (database versions not stated): gnomAD exomes below 0.00001.
gnomAD v4.1: 2 of 1,613,418 alleles (0.00012%); highest among the groups gnomAD compares: Admixed American, 0.0033%; no homozygotes.

Submission:

Labcorp Genetics (formerly Invitae), Labcorp
Classification: Uncertain significance for Chédiak-Higashi syndrome. Last evaluated: 2024-11-12. Review status: criteria provided, single submitter. Criteria: Invitae Variant Classification Sherloc (09022015). Collection method: clinical testing. Allele origin: germline.
Comment: This sequence change replaces threonine, which is neutral and polar, with isoleucine, which is neutral and non-polar, at codon 3768 of the LYST protein (p.Thr3768Ile). This variant is present in population databases (no rsID available, gnomAD 0.003%). This variant has not been reported in the literature in individuals affected with LYST-related conditions. ClinVar contains an entry for this variant (Variation ID: 1418793). Invitae Evidence Modeling of protein sequence and biophysical properties (such as structural, functional, and spatial information, amino acid conservation, physicochemical variation, residue mobility, and thermodynamic stability) indicates that this missense variant is not expected to disrupt LYST protein function with a negative predictive value of 80%. In summary, the available evidence is currently insufficient to determine the role of this variant in disease. Therefore, it has been classified as a Variant of Uncertain Significance.